The following is an entry in ClinVar:

ClinVar aggregate classification (germline): Likely benign (0 of 4 stars; one submission).

Conditions:
SPTBN2-related disorder. Also called: SPTBN2-related condition.

gnomAD v4.1: 46 of 1,612,462 alleles (0.0029%); highest among the groups gnomAD compares: Middle Eastern, 0.016%; no homozygotes.

Submission:

PreventionGenetics, part of Exact Sciences
Classification: Likely benign for SPTBN2-related condition. Last evaluated: 2019-08-06. Review status: no assertion criteria provided. Collection method: clinical testing. Allele origin: germline.
Comment: This variant is classified as likely benign based on ACMG/AMP sequence variant interpretation guidelines (Richards et al. 2015 PMID: 25741868, with internal and published modifications).

NM_006946.4(SPTBN2):c.3006C>T (p.Ala1002=)

Gene: SPTBN2 (spectrin beta, non-erythrocytic 2; minus strand). Cytogenetic location: 11q13.2.
Variant type: single nucleotide variant.
Coding change: c.3006C>T on transcript NM_006946.4 (MANE Select); coding-DNA position 3006, C replaced by T.
Protein change: p.Ala1002=; no amino-acid change (alanine 1002 retained).
Molecular consequence: synonymous variant.
Genome position (GRCh38, 1-based): chr11:66,701,093, G>A on the plus strand (C>T on the coding strand, the complement: SPTBN2 is on the minus strand). VCF-style: chr11-66701093-G-A. GRCh37 (hg19) VCF-style: chr11-66468564-G-A.
Other names: c.3027C>T, p.Ala1009= (NM_001411025.1).
Identifiers: ClinVar variation 3358003 (VCV003358003.1).